The following is an entry in ClinVar:

ClinVar aggregate classification (germline): Uncertain significance (1 of 4 stars; one submission).

Conditions:
Bardet-Biedl syndrome (BBS). Identifiers: Orphanet 110, MedGen C0752166, MONDO:0015229.

Submission:

Labcorp Genetics (formerly Invitae), Labcorp
Classification: Uncertain significance for Bardet-Biedl syndrome. Last evaluated: 2021-06-29. Review status: criteria provided, single submitter. Criteria: Invitae Variant Classification Sherloc (09022015). Collection method: clinical testing. Allele origin: germline.
Comment: In summary, the available evidence is currently insufficient to determine the role of this variant in disease. Therefore, it has been classified as a Variant of Uncertain Significance. Algorithms developed to predict the effect of missense changes on protein structure and function are either unavailable or do not agree on the potential impact of this missense change (SIFT: "Tolerated"; PolyPhen-2: "Possibly Damaging"; Align-GVGD: "Class C0"). This variant has not been reported in the literature in individuals with BBS7-related conditions. This variant is not present in population databases (ExAC no frequency). This sequence change replaces valine with isoleucine at codon 413 of the BBS7 protein (p.Val413Ile). The valine residue is highly conserved and there is a small physicochemical difference between valine and isoleucine.

NM_176824.3(BBS7):c.1237G>A (p.Val413Ile)

Gene: BBS7 (Bardet-Biedl syndrome 7; minus strand). Cytogenetic location: 4q27.
Variant type: single nucleotide variant.
Coding change: c.1237G>A on transcript NM_176824.3 (MANE Select); coding-DNA position 1237, G replaced by A.
Protein change: p.Val413Ile; replaces valine 413 with isoleucine.
Molecular consequence: missense variant.
Genome position (GRCh38, 1-based): chr4:121,843,995, C>T on the plus strand (G>A on the coding strand, the complement: BBS7 is on the minus strand). VCF-style: chr4-121843995-C-T. GRCh37 (hg19) VCF-style: chr4-122765150-C-T.
Other names: c.1237G>A, p.Val413Ile (NM_018190.4); short protein forms V413I.
Identifiers: ClinVar variation 1364503 (VCV001364503.7), dbSNP rs2149066894, ClinGen allele CA358061716.